The following is an entry in ClinVar:

NM_001042492.3(NF1):c.4431G>T (p.Arg1477Ser)

Gene: NF1 (neurofibromin 1; plus strand). Cytogenetic location: 17q11.2.
Variant type: single nucleotide variant.
Coding change: c.4431G>T on transcript NM_001042492.3 (MANE Select); coding-DNA position 4431, G replaced by T.
Protein change: p.Arg1477Ser; replaces arginine 1477 with serine.
Molecular consequence: missense variant.
Genome position (GRCh38, 1-based): chr17:31,260,369, G>T. VCF-style: chr17-31260369-G-T. GRCh37 (hg19) VCF-style: chr17-29587387-G-T.
Other names: c.4368G>T, p.Arg1456Ser (NM_000267.4); short protein forms R1456S, R1477S.
Identifiers: ClinVar variation 1430028 (VCV001430028.11), dbSNP rs181462219, ClinGen allele CA398999112.
Genomic context (GRCh38, chr17:31,260,369, plus strand): 5'-TCAAACATAAGTCTGGGTGTATCTGGTGTTGAAAATTCTAATGACTTTGCATTTTTGAAG[G>T]TTTTTCCTTGATATAGCATCTGATTGTCCTACAAGTGATGCAGTAAATCATAGTCTTTCC-3'
Protein context (NP_001035957.1, residues 1467-1487): FVKSNFDAAR[Arg1477Ser]FFLDIASDCP

ClinVar aggregate classification (germline): Uncertain significance. Review status: criteria provided, multiple submitters, no conflicts (2 of 4 stars). 3 submissions from 3 submitters: Uncertain significance (3). Last evaluated 2025-02-26.

Conditions:
Cardiovascular phenotype. Identifiers: MedGen CN230736.
Hereditary cancer-predisposing syndrome. Also called: Hereditary neoplastic syndrome; Tumor predisposition; Hereditary Cancer Syndrome; Neoplastic Syndromes, Hereditary. Identifiers: Orphanet 140162, MedGen C0027672, MeSH D009386, MONDO:0015356.
Neurofibromatosis, type 1 (NF1). Also called: VON RECKLINGHAUSEN DISEASE; NEUROFIBROMATOSIS, TYPE I, SOMATIC; Neurofibromatosis, type I; Peripheral type neurofibromatosis. Identifiers: Orphanet 636, MedGen C0027831, MONDO:0018975, OMIM 162200. Disease mechanism: loss of function.

Submissions (3):

Ambry Genetics
Classification: Uncertain significance for Cardiovascular phenotype; Hereditary cancer-predisposing syndrome. Last evaluated: 2025-02-26. Review status: criteria provided, single submitter. Criteria: Ambry Variant Classification Scheme 2023. Collection method: clinical testing. Allele origin: germline.
Comment: The p.R1456S variant (also known as c.4368G>T) is located in coding exon 33 of the NF1 gene. The arginine at codon 1456 is replaced by serine, an amino acid with dissimilar properties. This change occurs in the first base pair of coding exon 33. This amino acid position is highly conserved in available vertebrate species. In addition, this alteration is predicted to be deleterious by in silico analysis. Based on the available evidence, the clinical significance of this variant remains unclear.

MGZ Medical Genetics Center
Classification: Uncertain significance for Neurofibromatosis, type 1. Last evaluated: 2022-08-05. Review status: criteria provided, single submitter. Criteria: ACMG Guidelines, 2015. Collection method: clinical testing. Allele origin: germline. Affected: yes. Observed: 1 variant allele.
Comment: ACMG criteria applied: PM2_SUP, PP2, PP3

Labcorp Genetics (formerly Invitae), Labcorp
Classification: Uncertain significance for Neurofibromatosis, type 1. Last evaluated: 2020-11-03. Review status: criteria provided, single submitter. Criteria: Invitae Variant Classification Sherloc (09022015). Collection method: clinical testing. Allele origin: germline.
Comment: This sequence change replaces arginine with serine at codon 1456 of the NF1 protein (p.Arg1456Ser). The arginine residue is moderately conserved and there is a moderate physicochemical difference between arginine and serine. This variant is not present in population databases (ExAC no frequency). This variant has not been reported in the literature in individuals with NF1-related conditions. Algorithms developed to predict the effect of missense changes on protein structure and function are either unavailable or do not agree on the potential impact of this missense change (SIFT: "Tolerated"; PolyPhen-2: "Probably Damaging"; Align-GVGD: "Class C0"). Algorithms developed to predict the effect of sequence changes on RNA splicing suggest that this variant may disrupt the consensus splice site, but this prediction has not been confirmed by published transcriptional studies. In summary, the available evidence is currently insufficient to determine the role of this variant in disease. Therefore, it has been classified as a Variant of Uncertain Significance.